The following is an entry in ClinVar:

NM_000214.3(JAG1):c.1696C>T (p.His566Tyr)

Gene: JAG1 (jagged canonical Notch ligand 1; minus strand). Cytogenetic location: 20p12.2.
Variant type: single nucleotide variant.
Coding change: c.1696C>T on transcript NM_000214.3 (MANE Select); coding-DNA position 1696, C replaced by T.
Protein change: p.His566Tyr; replaces histidine 566 with tyrosine.
Molecular consequence: missense variant.
Genome position (GRCh38, 1-based): chr20:10,647,984, G>A on the plus strand (C>T on the coding strand, the complement: JAG1 is on the minus strand). VCF-style: chr20-10647984-G-A. GRCh37 (hg19) VCF-style: chr20-10628632-G-A.
Other names: c.1696C>T (NM_000214.2); short protein forms H566Y.
Identifiers: ClinVar variation 3674108 (VCV003674108.3).

ClinVar aggregate classification (germline): Uncertain significance. Review status: criteria provided, multiple submitters, no conflicts (2 of 4 stars). 2 submissions from 2 submitters: Uncertain significance (2). Last evaluated 2025-03-31.

Conditions:
Alagille syndrome due to a JAG1 point mutation. Also called: JAG1-Related Alagille Syndrome; HEPATIC DUCTULAR HYPOPLASIA, SYNDROMATIC; Alagille Syndrome 1. Identifiers: Orphanet 261619, Orphanet 52, MedGen C1956125, MONDO:0016862, OMIM 118450.
Cardiovascular phenotype. Identifiers: MedGen CN230736.

Submissions (2):

Labcorp Genetics (formerly Invitae), Labcorp
Classification: Uncertain significance for Alagille syndrome due to a JAG1 point mutation. Last evaluated: 2025-03-31. Review status: criteria provided, single submitter. Criteria: Invitae Variant Classification Sherloc (09022015). Collection method: clinical testing. Allele origin: germline.
Comment: This sequence change replaces histidine, which is basic and polar, with tyrosine, which is neutral and polar, at codon 566 of the JAG1 protein (p.His566Tyr). This variant is present in population databases (no rsID available, gnomAD 0.002%). This variant has not been reported in the literature in individuals affected with JAG1-related conditions. Invitae Evidence Modeling of protein sequence and biophysical properties (such as structural, functional, and spatial information, amino acid conservation, physicochemical variation, residue mobility, and thermodynamic stability) has been performed for this missense variant. However, the output from this modeling did not meet the statistical confidence thresholds required to predict the impact of this variant on JAG1 protein function. In summary, the available evidence is currently insufficient to determine the role of this variant in disease. Therefore, it has been classified as a Variant of Uncertain Significance.

Ambry Genetics
Classification: Uncertain significance for Cardiovascular phenotype. Last evaluated: 2025-01-19. Review status: criteria provided, single submitter. Criteria: Ambry Variant Classification Scheme 2023. Collection method: clinical testing. Allele origin: germline.
Comment: The p.H566Y variant (also known as c.1696C>T), located in coding exon 13 of the JAG1 gene, results from a C to T substitution at nucleotide position 1696. The histidine at codon 566 is replaced by tyrosine, an amino acid with similar properties. This amino acid position is conserved. In addition, this alteration is predicted to be deleterious by in silico analysis. Based on the available evidence, the clinical significance of this variant remains unclear.